The following is an entry in ClinVar:

NM_001378183.1(PIEZO2):c.2938G>T (p.Val980Leu)

Genes: PIEZO2 (piezo type mechanosensitive ion channel component 2; minus strand), LOC126862696 (BRD4-independent group 4 enhancer GRCh37_chr18:10769534-10770733; plus strand). Cytogenetic location: 18p11.22.
Variant type: single nucleotide variant.
Coding change: c.2938G>T on transcript NM_001378183.1 (MANE Select); coding-DNA position 2938, G replaced by T.
Protein change: p.Val980Leu; replaces valine 980 with leucine.
Molecular consequence: missense variant.
Genome position (GRCh38, 1-based): chr18:10,770,156, C>A on the plus strand (G>T on the coding strand, the complement: PIEZO2 is on the minus strand). VCF-style: chr18-10770156-C-A. GRCh37 (hg19) VCF-style: chr18-10770154-C-A.
Other names: c.2938G>T, p.Val980Leu (NM_001410871.1); c.2863G>T, p.Val955Leu (NM_022068.4); short protein forms V980L, V955L.
Identifiers: ClinVar variation 1918790 (VCV001918790.5), dbSNP rs1169323245, ClinGen allele CA401916884.

ClinVar aggregate classification (germline): Uncertain significance (1 of 4 stars; one submission).

Allele frequency attached by ClinVar (database versions not stated): TOPMed below 0.00001.

Submission:

Labcorp Genetics (formerly Invitae), Labcorp
Classification: Uncertain significance. Last evaluated: 2022-05-21. Review status: criteria provided, single submitter. Criteria: Invitae Variant Classification Sherloc (09022015). Collection method: clinical testing. Allele origin: germline.
Comment: In summary, the available evidence is currently insufficient to determine the role of this variant in disease. Therefore, it has been classified as a Variant of Uncertain Significance. Advanced modeling of protein sequence and biophysical properties (such as structural, functional, and spatial information, amino acid conservation, physicochemical variation, residue mobility, and thermodynamic stability) performed at Invitae indicates that this missense variant is not expected to disrupt PIEZO2 protein function. This variant has not been reported in the literature in individuals affected with PIEZO2-related conditions. This variant is not present in population databases (gnomAD no frequency). This sequence change replaces valine, which is neutral and non-polar, with leucine, which is neutral and non-polar, at codon 955 of the PIEZO2 protein (p.Val955Leu).